The following is an entry in ClinVar:

ClinVar aggregate classification (germline): Uncertain significance. Review status: criteria provided, multiple submitters, no conflicts (2 of 4 stars). 3 submissions from 3 submitters: Uncertain significance (3). Last evaluated 2025-11-18.

Conditions:
Cardiovascular phenotype. Identifiers: MedGen CN230736.
Hereditary cancer-predisposing syndrome. Also called: Hereditary neoplastic syndrome; Neoplastic Syndromes, Hereditary; Tumor predisposition; Hereditary Cancer Syndrome. Identifiers: Orphanet 140162, MedGen C0027672, MeSH D009386, MONDO:0015356.
Neurofibromatosis, type 1 (NF1). Also called: VON RECKLINGHAUSEN DISEASE; Peripheral type neurofibromatosis; NEUROFIBROMATOSIS, TYPE I, SOMATIC; Neurofibromatosis, type I. Identifiers: Orphanet 636, MedGen C0027831, MONDO:0018975, OMIM 162200. Disease mechanism: loss of function.

gnomAD v4.1: 1 of 1,613,526 alleles (0.000062%); highest among the groups gnomAD compares: Non-Finnish European, 0.000085%; no homozygotes.

Submissions (3):

Labcorp Genetics (formerly Invitae), Labcorp
Classification: Uncertain significance for Neurofibromatosis, type 1. Last evaluated: 2025-11-18. Review status: criteria provided, single submitter. Criteria: Invitae Variant Classification Sherloc (09022015). Collection method: clinical testing. Allele origin: germline.
Comment: This sequence change replaces serine, which is neutral and polar, with leucine, which is neutral and non-polar, at codon 2446 of the NF1 protein (p.Ser2446Leu). This variant is not present in population databases (gnomAD no frequency). This variant has not been reported in the literature in individuals affected with NF1-related conditions. ClinVar contains an entry for this variant (Variation ID: 480197). Invitae Evidence Modeling of protein sequence and biophysical properties (such as structural, functional, and spatial information, amino acid conservation, physicochemical variation, residue mobility, and thermodynamic stability) indicates that this missense variant is not expected to disrupt NF1 protein function with a negative predictive value of 95%. In summary, the available evidence is currently insufficient to determine the role of this variant in disease. Therefore, it has been classified as a Variant of Uncertain Significance.

Ambry Genetics
Classification: Uncertain significance for Cardiovascular phenotype; Hereditary cancer-predisposing syndrome. Last evaluated: 2024-11-26. Review status: criteria provided, single submitter. Criteria: Ambry Variant Classification Scheme 2023. Collection method: clinical testing. Allele origin: germline.
Comment: The p.S2446L variant (also known as c.7337C>T), located in coding exon 49 of the NF1 gene, results from a C to T substitution at nucleotide position 7337. The serine at codon 2446 is replaced by leucine, an amino acid with dissimilar properties. This amino acid position is well conserved in available vertebrate species. In addition, this alteration is predicted to be tolerated by in silico analysis. Since supporting evidence is limited at this time, the clinical significance of this alteration remains unclear.

Genome-Nilou Lab
Classification: Uncertain significance for Neurofibromatosis, type 1. Last evaluated: 2022-03-15. Review status: criteria provided, single submitter. Criteria: ACMG Guidelines, 2015. Collection method: clinical testing. Allele origin: germline. Affected: no.

NM_001042492.3(NF1):c.7400C>T (p.Ser2467Leu)

Gene: NF1 (neurofibromin 1; plus strand). Cytogenetic location: 17q11.2.
Variant type: single nucleotide variant.
Coding change: c.7400C>T on transcript NM_001042492.3 (MANE Select); coding-DNA position 7400, C replaced by T.
Protein change: p.Ser2467Leu; replaces serine 2467 with leucine.
Molecular consequence: missense variant.
Genome position (GRCh38, 1-based): chr17:31,350,261, C>T. VCF-style: chr17-31350261-C-T. GRCh37 (hg19) VCF-style: chr17-29677279-C-T.
Other names: c.7337C>T, p.Ser2446Leu (NM_000267.4); short protein forms S2446L, S2467L.
Identifiers: ClinVar variation 480197 (VCV000480197.14), dbSNP rs1555536135, ClinGen allele CA399017107.